The following is an entry in ClinVar:

NM_005732.4(RAD50):c.1237C>G (p.Gln413Glu)

Gene: RAD50 (RAD50 double strand break repair protein; plus strand). Cytogenetic location: 5q31.1.
Variant type: single nucleotide variant.
Coding change: c.1237C>G on transcript NM_005732.4 (MANE Select); coding-DNA position 1237, C replaced by G.
Protein change: p.Gln413Glu; replaces glutamine 413 with glutamic acid.
Molecular consequence: missense variant.
Genome position (GRCh38, 1-based): chr5:132,588,872, C>G. VCF-style: chr5-132588872-C-G. GRCh37 (hg19) VCF-style: chr5-131924564-C-G.
Other names: short protein forms Q413E.
Identifiers: ClinVar variation 960977 (VCV000960977.11), dbSNP rs373428259, ClinGen allele CA127244051.

ClinVar aggregate classification (germline): Conflicting classifications of pathogenicity. Review status: criteria provided, conflicting classifications (1 of 4 stars). 2 submissions from 2 submitters: Uncertain significance (1); Likely benign (1). Last evaluated 2024-10-29.

Conditions:
Hereditary cancer-predisposing syndrome. Also called: Tumor predisposition; Hereditary neoplastic syndrome; Neoplastic Syndromes, Hereditary; Hereditary Cancer Syndrome. Identifiers: Orphanet 140162, MedGen C0027672, MeSH D009386, MONDO:0015356.

Submissions (2):

Ambry Genetics
Classification: Likely benign for Hereditary cancer-predisposing syndrome. Last evaluated: 2024-10-29. Review status: criteria provided, single submitter. Criteria: Ambry Variant Classification Scheme 2023. Collection method: clinical testing. Allele origin: germline.

Labcorp Genetics (formerly Invitae), Labcorp
Classification: Uncertain significance for Hereditary cancer-predisposing syndrome. Last evaluated: 2024-04-05. Review status: criteria provided, single submitter. Criteria: Invitae Variant Classification Sherloc (09022015). Collection method: clinical testing. Allele origin: germline.
Comment: This sequence change replaces glutamine, which is neutral and polar, with glutamic acid, which is acidic and polar, at codon 413 of the RAD50 protein (p.Gln413Glu). This variant is not present in population databases (gnomAD no frequency). This variant has not been reported in the literature in individuals affected with RAD50-related conditions. ClinVar contains an entry for this variant (Variation ID: 960977). Advanced modeling of protein sequence and biophysical properties (such as structural, functional, and spatial information, amino acid conservation, physicochemical variation, residue mobility, and thermodynamic stability) performed at Invitae indicates that this missense variant is not expected to disrupt RAD50 protein function with a negative predictive value of 80%. In summary, the available evidence is currently insufficient to determine the role of this variant in disease. Therefore, it has been classified as a Variant of Uncertain Significance.